The following is an entry in ClinVar:

ClinVar aggregate classification (germline): Uncertain significance. Review status: criteria provided, multiple submitters, no conflicts (2 of 4 stars). 2 submissions from 2 submitters: Uncertain significance (2). Last evaluated 2024-04-18.

Conditions:
Hereditary pancreatitis (PCTT). Also called: Hereditary chronic pancreatitis; PRSS1-Related Hereditary Pancreatitis. Identifiers: Orphanet 676, MedGen C0238339, MONDO:0008185, OMIM 167800.

Allele frequency attached by ClinVar (database versions not stated): ExAC 0.00001; gnomAD 0.00001.

Submissions (2):

Ambry Genetics
Classification: Uncertain significance for Hereditary pancreatitis. Last evaluated: 2024-04-18. Review status: criteria provided, single submitter. Criteria: Ambry Variant Classification Scheme 2023. Collection method: clinical testing. Allele origin: germline.
Comment: The p.K66* variant (also known as c.196A>T), located in coding exon 2 of the PRSS1 gene, results from an A to T substitution at nucleotide position 196. This changes the amino acid from a lysine to a stop codon within coding exon 2. This alteration is expected to result in loss of function by premature protein truncation or nonsense-mediated mRNA decay. However, loss of function of PRSS1 has not been established as a mechanism of disease. Based on the available evidence, the clinical significance of this alteration remains unclear.

Labcorp Genetics (formerly Invitae), Labcorp
Classification: Uncertain significance for Hereditary pancreatitis. Last evaluated: 2023-05-02. Review status: criteria provided, single submitter. Criteria: Invitae Variant Classification Sherloc (09022015). Collection method: clinical testing. Allele origin: germline.
Comment: In summary, the available evidence is currently insufficient to determine the role of this variant in disease. Therefore, it has been classified as a Variant of Uncertain Significance. ClinVar contains an entry for this variant (Variation ID: 2038726). This variant has not been reported in the literature in individuals affected with PRSS1-related conditions. The frequency data for this variant in the population databases is considered unreliable, as metrics indicate poor data quality at this position in the gnomAD database. This sequence change creates a premature translational stop signal (p.Lys66*) in the PRSS1 gene. It is expected to result in an absent or disrupted protein product. However, the current clinical and genetic evidence is not sufficient to establish whether loss-of-function variants in PRSS1 cause disease.

NM_002769.5(PRSS1):c.196A>T (p.Lys66Ter)

Genes: PRSS1 (serine protease 1; plus strand), TRB (T cell receptor beta locus; plus strand). Cytogenetic location: 7q34.
Variant type: single nucleotide variant.
Coding change: c.196A>T on transcript NM_002769.5 (MANE Select); coding-DNA position 196, A replaced by T.
Protein change: p.Lys66Ter; replaces lysine 66 with a stop codon.
Molecular consequence: nonsense. On other transcripts: non-coding transcript variant (2).
Genome position (GRCh38, 1-based): chr7:142,750,710, A>T. VCF-style: chr7-142750710-A-T. GRCh37 (hg19) VCF-style: chr7-142458561-A-T.
Other names: c.196A>T (NM_002769.4); short protein forms K66*.
Identifiers: ClinVar variation 2038726 (VCV002038726.5), dbSNP rs759809930, ClinGen allele CA4529707.